The following is an entry in ClinVar:

ClinVar aggregate classification (germline): Uncertain significance (1 of 4 stars; one submission).

Conditions:
RASopathy. Also called: rasopathies; Noonan spectrum disorder. Identifiers: Orphanet 536391, MedGen C5555857, MONDO:0021060.

gnomAD v4.1: 5 of 1,614,054 alleles (0.00031%); highest among the groups gnomAD compares: South Asian, 0.0011%; no homozygotes.

Submission:

Labcorp Genetics (formerly Invitae), Labcorp
Classification: Uncertain significance for RASopathy. Last evaluated: 2025-09-02. Review status: criteria provided, single submitter. Criteria: Invitae Variant Classification Sherloc (09022015). Collection method: clinical testing. Allele origin: germline.
Comment: This sequence change replaces threonine, which is neutral and polar, with isoleucine, which is neutral and non-polar, at codon 388 of the MAP2K1 protein (p.Thr388Ile). This variant is present in population databases (rs780370635, gnomAD 0.0009%). This variant has not been reported in the literature in individuals affected with MAP2K1-related conditions. Invitae Evidence Modeling of protein sequence and biophysical properties (such as structural, functional, and spatial information, amino acid conservation, physicochemical variation, residue mobility, and thermodynamic stability) indicates that this missense variant is expected to disrupt MAP2K1 protein function with a positive predictive value of 95%. In summary, the available evidence is currently insufficient to determine the role of this variant in disease. Therefore, it has been classified as a Variant of Uncertain Significance.

NM_002755.4(MAP2K1):c.1163C>T (p.Thr388Ile)

Genes: MAP2K1 (mitogen-activated protein kinase kinase 1; plus strand), SNAPC5 (small nuclear RNA activating complex polypeptide 5; minus strand). Cytogenetic location: 15q22.31.
Variant type: single nucleotide variant.
Coding change: c.1163C>T on transcript NM_002755.4 (MANE Select); coding-DNA position 1163, C replaced by T.
Protein change: p.Thr388Ile; replaces threonine 388 with isoleucine.
Molecular consequence: missense variant. On other transcripts: 3 prime UTR variant (1), non-coding transcript variant (1).
Genome position (GRCh38, 1-based): chr15:66,490,596, C>T. VCF-style: chr15-66490596-C-T. GRCh37 (hg19) VCF-style: chr15-66782934-C-T.
Other names: c.*143G>A (NM_006049.4); c.1019C>T, p.Thr340Ile (NM_001411065.1); short protein forms T340I, T388I.
Identifiers: ClinVar variation 4812194 (VCV004812194.1).